The following is an entry in ClinVar:

ClinVar aggregate classification (germline): Benign/Likely benign. Review status: criteria provided, multiple submitters, no conflicts (2 of 4 stars). 6 submissions from 6 submitters: Benign (3); Likely benign (3). Last evaluated 2026-02-02.

Conditions:
Peroxisome biogenesis disorder 3A (Zellweger). Also called: PEROXISOMAL BIOGENESIS DISORDER 3A (ZELLWEGER); Peroxisome biogenesis disorder 3A. Identifiers: Orphanet 912, MedGen C3553929, MONDO:0013927, OMIM 614859.

Allele frequency attached by ClinVar (database versions not stated): gnomAD 0.00945 and 0.00892; 1000 Genomes Project 0.00998; TOPMed 0.01048; 1000 Genomes Project 30x 0.01156; ESP Exome Variant Server 0.01207; gnomAD exomes 0.00087 and 0.00241; ExAC 0.00306.

Submissions (6):

Labcorp Genetics (formerly Invitae), Labcorp
Classification: Benign for Peroxisome biogenesis disorder 3A (Zellweger). Last evaluated: 2026-02-02. Review status: criteria provided, single submitter. Criteria: Invitae Variant Classification Sherloc (09022015). Collection method: clinical testing. Allele origin: germline.

ARUP Laboratories, Molecular Genetics and Genomics, ARUP Laboratories
Classification: Benign. Last evaluated: 2023-09-21. Review status: criteria provided, single submitter. Criteria: ARUP Molecular Germline Variant Investigation Process 2024. Collection method: clinical testing. Allele origin: germline.

Women's Health and Genetics/Laboratory Corporation of America, LabCorp
Classification: Likely benign. Last evaluated: 2021-12-10. Review status: criteria provided, single submitter. Criteria: LabCorp Variant Classification Summary - May 2015. Collection method: clinical testing. Allele origin: germline.

GeneDx
Classification: Likely benign. Last evaluated: 2019-05-24. Review status: criteria provided, single submitter. Criteria: GeneDx Variant Classification Process June 2021. Collection method: clinical testing. Allele origin: germline. Affected: yes.

Illumina Laboratory Services, Illumina
Classification: Benign for Peroxisome biogenesis disorder 3A (Zellweger). Last evaluated: 2017-04-28. Review status: criteria provided, single submitter. Criteria: ICSL Variant Classification Criteria 13 December 2019. Collection method: clinical testing. Allele origin: germline.
Comment: This variant was observed as part of a predisposition screen in an ostensibly healthy population. A literature search was performed for the gene, cDNA change, and amino acid change (where applicable). Publications were found based on this search. The evidence from the literature, in combination with allele frequency data from public databases where available, was sufficient to rule this variant out of causing disease. Therefore, this variant is classified as benign.

Breakthrough Genomics
Classification: Likely benign. Review status: criteria provided, single submitter. Criteria: ACMG Guidelines, 2015. Collection method: not provided. Allele origin: germline. Inheritance: Autosomal recessive inheritance. Affected: yes.

Literature cited by the submitters: PubMed 15542397 (cited by Illumina Laboratory Services, Illumina); PubMed 19105186 (cited by Illumina Laboratory Services, Illumina).

NM_000286.3(PEX12):c.733T>A (p.Leu245Ile)

Gene: PEX12 (peroxisomal biogenesis factor 12; minus strand). Cytogenetic location: 17q12.
Variant type: single nucleotide variant.
Coding change: c.733T>A on transcript NM_000286.3 (MANE Select); coding-DNA position 733, T replaced by A.
Protein change: p.Leu245Ile; replaces leucine 245 with isoleucine.
Molecular consequence: missense variant.
Genome position (GRCh38, 1-based): chr17:35,576,129, A>T on the plus strand (T>A on the coding strand, the complement: PEX12 is on the minus strand). VCF-style: chr17-35576129-A-T. GRCh37 (hg19) VCF-style: chr17-33903148-A-T.
Other names: short protein forms L245I.
Identifiers: ClinVar variation 791675 (VCV000791675.18), dbSNP rs12941376, ClinGen allele CA8504851.